The following is an entry in ClinVar:

NM_001394062.1(MACF1):c.16211G>A (p.Gly5404Asp)

Gene: MACF1 (microtubule actin crosslinking factor 1; plus strand). Cytogenetic location: 1p34.3.
Variant type: single nucleotide variant.
Coding change: c.16211G>A on transcript NM_001394062.1 (MANE Select); coding-DNA position 16211, G replaced by A.
Protein change: p.Gly5404Asp; replaces glycine 5404 with aspartic acid.
Molecular consequence: missense variant.
Genome position (GRCh38, 1-based): chr1:39,424,089, G>A. VCF-style: chr1-39424089-G-A. GRCh37 (hg19) VCF-style: chr1-39889761-G-A.
Other names: c.4607G>A, p.Gly1536Asp (NM_001397473.1); c.10025G>A, p.Gly3342Asp (NM_012090.5); short protein forms G1536D, G3342D, G5404D.
Identifiers: ClinVar variation 4879492 (VCV004879492.1).
Genomic context (GRCh38, chr1:39,424,089, plus strand): 5'-TGCTCCAGCGGCTCCTAGATGATCGAAAGGCCACAGTAGACATGCTTCAAGCAGAAGGAG[G>A]CAGAATAGCCCAGTCAGCAGAGCTGGCTGATAGAGAGAAAATCACTGGACAGCTGGAGAG-3'
Protein context (NP_001380991.1, residues 5394-5414): ATVDMLQAEG[Gly5404Asp]RIAQSAELAD

ClinVar aggregate classification (germline): Uncertain significance (1 of 4 stars; one submission).

Conditions:
Lissencephaly 9 with complex brainstem malformation. Identifiers: Orphanet 572013, MedGen C5193029, MONDO:0032677, OMIM 618325.

gnomAD v4.1: 1 of 1,612,344 alleles (0.000062%); highest among the groups gnomAD compares: African/African-American, 0.0013%; no homozygotes.

Submission:

Clinical Genomics Laboratory, Washington University in St. Louis
Classification: Uncertain significance for Lissencephaly 9 with complex brainstem malformation. Last evaluated: 2026-02-09. Review status: criteria provided, single submitter. Criteria: ACMG Guidelines, 2015. Collection method: clinical testing. Allele origin: germline.
Comment: The MACF1 c.16211G>A (p.Gly5404Asp) variant, to our knowledge, has not been reported in the medical literature and is only observed on 1/1,612,344 alleles in the general population (gnomAD v4.1.0), indicating it is not a common variant. This variant does not occur in the GAR domain and computational predictors suggest that the variant does not impact MACF1 function. Due to limited information, and based on ACMG/AMP guidelines for variant interpretation (Richards S et al., PMID: 25741868), the clinical significance of this variant is uncertain at this time.